The following is an entry in ClinVar:

ClinVar aggregate classification (germline): Uncertain significance (1 of 4 stars; one submission).

gnomAD v4.1: 3 of 1,613,942 alleles (0.00019%); highest among the groups gnomAD compares: Middle Eastern, 0.016%; no homozygotes.

Submission:

Labcorp Genetics (formerly Invitae), Labcorp
Classification: Uncertain significance. Last evaluated: 2024-11-26. Review status: criteria provided, single submitter. Criteria: Invitae Variant Classification Sherloc (09022015). Collection method: clinical testing. Allele origin: germline.
Comment: This sequence change replaces glycine, which is neutral and non-polar, with arginine, which is basic and polar, at codon 609 of the SLC27A5 protein (p.Gly609Arg). This variant is present in population databases (rs768722409, gnomAD 0.0009%). This variant has not been reported in the literature in individuals affected with SLC27A5-related conditions. An algorithm developed to predict the effect of missense changes on protein structure and function (PolyPhen-2) suggests that this variant is likely to be disruptive. In summary, the available evidence is currently insufficient to determine the role of this variant in disease. Therefore, it has been classified as a Variant of Uncertain Significance.

NM_012254.3(SLC27A5):c.1825G>A (p.Gly609Arg)

Gene: SLC27A5 (solute carrier family 27 member 5; minus strand). Cytogenetic location: 19q13.43.
Variant type: single nucleotide variant.
Coding change: c.1825G>A on transcript NM_012254.3 (MANE Select); coding-DNA position 1825, G replaced by A.
Protein change: p.Gly609Arg; replaces glycine 609 with arginine.
Molecular consequence: missense variant.
Genome position (GRCh38, 1-based): chr19:58,498,856, C>T on the plus strand (G>A on the coding strand, the complement: SLC27A5 is on the minus strand). VCF-style: chr19-58498856-C-T. GRCh37 (hg19) VCF-style: chr19-59010223-C-T.
Other names: c.1573G>A, p.Gly525Arg (NM_001321196.2); short protein forms G525R, G609R.
Identifiers: ClinVar variation 3700988 (VCV003700988.2).